The following is an entry in ClinVar:

NM_138775.3(ALKBH8):c.1651C>T (p.Arg551Ter)

Gene: ALKBH8 (alkB homolog 8, tRNA methyltransferase; minus strand). Cytogenetic location: 11q22.3.
Variant type: single nucleotide variant.
Coding change: c.1651C>T on transcript NM_138775.3 (MANE Select); coding-DNA position 1651, C replaced by T.
Protein change: p.Arg551Ter; replaces arginine 551 with a stop codon.
Molecular consequence: nonsense. On other transcripts: non-coding transcript variant (6).
Genome position (GRCh38, 1-based): chr11:107,505,002, G>A on the plus strand (C>T on the coding strand, the complement: ALKBH8 is on the minus strand). VCF-style: chr11-107505002-G-A. GRCh37 (hg19) VCF-style: chr11-107375728-G-A.
Other names: R554*; c.1651C>T, p.Arg551Ter (NM_001301010.3); c.1501C>T, p.Arg501Ter (NM_001378133.1); short protein forms R551*, R501*.
Identifiers: ClinVar variation 636271 (VCV000636271.21), dbSNP rs375189195, ClinGen allele CA6261010.

ClinVar aggregate classification (germline): Conflicting classifications of pathogenicity. Review status: criteria provided, conflicting classifications (1 of 4 stars). 4 submissions from 4 submitters: Likely pathogenic (1); Uncertain significance (1). 2 of the submissions do not count toward it. Last evaluated 2024-03-14.

Conditions:
Intellectual developmental disorder, autosomal recessive 71. Also called: MENTAL RETARDATION, AUTOSOMAL RECESSIVE 71. Identifiers: MedGen C5193133, MONDO:0032789, OMIM 618504.

Allele frequency attached by ClinVar (database versions not stated): ExAC 0.00005; ESP Exome Variant Server 0.00022.

Submissions (4):

Genomic Medicine Center of Excellence, King Faisal Specialist Hospital and Research Centre
Classification: Likely pathogenic for Intellectual developmental disorder, autosomal recessive 71. Last evaluated: 2024-03-14. Review status: criteria provided, single submitter. Criteria: ACMG Guidelines, 2015. Collection method: research. Allele origin: germline.

GeneDx
Classification: Uncertain significance. Last evaluated: 2020-08-12. Review status: criteria provided, single submitter. Criteria: GeneDx Variant Classification Process June 2021. Collection method: clinical testing. Allele origin: germline. Affected: yes.
Comment: Observed in the homozygous state in a family with intellectual disability and global developmental delay in published literature (Monies et al., 2019); Nonsense variant predicted to result in protein truncation as the last 114 amino acids are lost, although loss-of-function variants have not been reported downstream of this position in the protein; Variants in candidate genes are classified as variants of uncertain significance in accordance with ACMG guidelines (Richards et al., 2015); This variant is associated with the following publications: (PMID: 31585110, 31079898, 31130284)

Clinical Laboratory Sciences Program (CLSP), King Saud bin Abdulaziz University for Health Sciences (KSAU-HS)
Classification: Pathogenic for Intellectual developmental disorder, autosomal recessive 71. Last evaluated: 2023-04-01. Review status: no assertion criteria provided. Collection method: clinical testing. Allele origin: germline. Affected: yes. Not counted in ClinVar's aggregate classification.

OMIM
Classification: Pathogenic for INTELLECTUAL DEVELOPMENTAL DISORDER, AUTOSOMAL RECESSIVE 71. Last evaluated: 2019-07-19. Review status: no assertion criteria provided. Collection method: literature only. Allele origin: germline. Not counted in ClinVar's aggregate classification.

Literature cited by the submitters: PubMed 31079898 (cited by OMIM).